The following is an entry in ClinVar:

NM_000051.4(ATM):c.2729C>T (p.Thr910Ile)

Gene: ATM (ATM serine/threonine kinase; plus strand). Cytogenetic location: 11q22.3.
Variant type: single nucleotide variant.
Coding change: c.2729C>T on transcript NM_000051.4 (MANE Select); coding-DNA position 2729, C replaced by T.
Protein change: p.Thr910Ile; replaces threonine 910 with isoleucine.
Molecular consequence: missense variant.
Genome position (GRCh38, 1-based): chr11:108,268,500, C>T. VCF-style: chr11-108268500-C-T. GRCh37 (hg19) VCF-style: chr11-108139227-C-T.
Other names: c.2729C>T, p.Thr910Ile (NM_001351834.2); short protein forms T910I.
Identifiers: ClinVar variation 821719 (VCV000821719.6), dbSNP rs1481694786, ClinGen allele CA382545346.

ClinVar aggregate classification (germline): Uncertain significance. Review status: criteria provided, multiple submitters, no conflicts (2 of 4 stars). 2 submissions from 2 submitters: Uncertain significance (2). Last evaluated 2024-10-18.

Conditions:
Hereditary cancer-predisposing syndrome. Also called: Hereditary Cancer Syndrome; Neoplastic Syndromes, Hereditary; Hereditary neoplastic syndrome; Tumor predisposition. Identifiers: Orphanet 140162, MedGen C0027672, MeSH D009386, MONDO:0015356.
Ataxia-telangiectasia syndrome (AT). Also called: Cerebello-oculocutaneous telangiectasia; Immunodeficiency with ataxia telangiectasia; Ataxia-telangiectasia, complementation group E; Ataxia-telangiectasia, complementation group D; AT, COMPLEMENTATION GROUP C; ATAXIA-TELANGIECTASIA, COMPLEMENTATION GROUP A. Identifiers: Orphanet 100, MedGen C0004135, MONDO:0008840, OMIM 208900.

Submissions (2):

Labcorp Genetics (formerly Invitae), Labcorp
Classification: Uncertain significance for Ataxia-telangiectasia syndrome. Last evaluated: 2024-10-18. Review status: criteria provided, single submitter. Criteria: Invitae Variant Classification Sherloc (09022015). Collection method: clinical testing. Allele origin: germline.
Comment: This sequence change replaces threonine, which is neutral and polar, with isoleucine, which is neutral and non-polar, at codon 910 of the ATM protein (p.Thr910Ile). This variant is not present in population databases (gnomAD no frequency). This variant has not been reported in the literature in individuals affected with ATM-related conditions. ClinVar contains an entry for this variant (Variation ID: 821719). Invitae Evidence Modeling of protein sequence and biophysical properties (such as structural, functional, and spatial information, amino acid conservation, physicochemical variation, residue mobility, and thermodynamic stability) indicates that this missense variant is not expected to disrupt ATM protein function with a negative predictive value of 95%. In summary, the available evidence is currently insufficient to determine the role of this variant in disease. Therefore, it has been classified as a Variant of Uncertain Significance.

Ambry Genetics
Classification: Uncertain significance for Hereditary cancer-predisposing syndrome. Last evaluated: 2022-09-29. Review status: criteria provided, single submitter. Criteria: Ambry Variant Classification Scheme 2023. Collection method: clinical testing. Allele origin: germline.
Comment: The p.T910I variant (also known as c.2729C>T), located in coding exon 17 of the ATM gene, results from a C to T substitution at nucleotide position 2729. The threonine at codon 910 is replaced by isoleucine, an amino acid with similar properties. This amino acid position is not well conserved in available vertebrate species. In addition, this alteration is predicted to be tolerated by in silico analysis. Since supporting evidence is limited at this time, the clinical significance of this alteration remains unclear.